The following is an entry in ClinVar:

ClinVar aggregate classification (germline): Likely benign (1 of 4 stars; one submission).

Submission:

GeneDx
Classification: Likely benign. Last evaluated: 2017-02-07. Review status: criteria provided, single submitter. Criteria: GeneDx Variant Classification (06012015). Collection method: clinical testing. Allele origin: germline. Affected: yes.
Comment: This variant is considered likely benign or benign based on one or more of the following criteria: it is a conservative change, it occurs at a poorly conserved position in the protein, it is predicted to be benign by multiple in silico algorithms, and/or has population frequency not consistent with disease.

NM_001165963.4(SCN1A):c.2668C>T (p.Leu890=)

Gene: SCN1A (sodium voltage-gated channel alpha subunit 1; minus strand). Cytogenetic location: 2q24.3.
Variant type: single nucleotide variant.
Coding change: c.2668C>T on transcript NM_001165963.4 (MANE Select); coding-DNA position 2668, C replaced by T.
Protein change: p.Leu890=; no amino-acid change (leucine 890 retained).
Molecular consequence: synonymous variant. On other transcripts: non-coding transcript variant (1).
Genome position (GRCh38, 1-based): chr2:166,038,054, G>A on the plus strand (C>T on the coding strand, the complement: SCN1A is on the minus strand). VCF-style: chr2-166038054-G-A. GRCh37 (hg19) VCF-style: chr2-166894564-G-A.
Other names: c.2584C>T, p.Leu862= (NM_001165964.3, NM_001353957.2, NM_001353958.2); c.2668C>T, p.Leu890= (NM_001202435.3, NM_001353948.2); c.2635C>T, p.Leu879= (NM_001353949.2, NM_001353950.2, NM_001353951.2 and 2 more transcripts); c.2632C>T, p.Leu878= (NM_001353954.2, NM_001353955.2); c.2581C>T, p.Leu861= (NM_001353960.2); c.226C>T, p.Leu76= (NM_001353961.2).
Identifiers: ClinVar variation 516613 (VCV000516613.1), dbSNP rs1553541477, ClinGen allele CA429976269.